The following is an entry in ClinVar:

ClinVar aggregate classification (germline): Uncertain significance (1 of 4 stars; one submission).

Allele frequency attached by ClinVar (database versions not stated): TOPMed 0.00001; ExAC 0.00001; gnomAD exomes 0.00002.

Submission:

Labcorp Genetics (formerly Invitae), Labcorp
Classification: Uncertain significance. Last evaluated: 2022-11-08. Review status: criteria provided, single submitter. Criteria: Invitae Variant Classification Sherloc (09022015). Collection method: clinical testing. Allele origin: germline.
Comment: This sequence change replaces tryptophan, which is neutral and slightly polar, with leucine, which is neutral and non-polar, at codon 255 of the SI protein (p.Trp255Leu). This variant is present in population databases (rs747468539, gnomAD 0.02%). This variant has not been reported in the literature in individuals affected with SI-related conditions. ClinVar contains an entry for this variant (Variation ID: 1490857). Advanced modeling of protein sequence and biophysical properties (such as structural, functional, and spatial information, amino acid conservation, physicochemical variation, residue mobility, and thermodynamic stability) has been performed at Invitae for this missense variant, however the output from this modeling did not meet the statistical confidence thresholds required to predict the impact of this variant on SI protein function. In summary, the available evidence is currently insufficient to determine the role of this variant in disease. Therefore, it has been classified as a Variant of Uncertain Significance.

NM_001041.4(SI):c.764G>T (p.Trp255Leu)

Gene: SI (sucrase-isomaltase; minus strand). Cytogenetic location: 3q26.1.
Variant type: single nucleotide variant.
Coding change: c.764G>T on transcript NM_001041.4 (MANE Select); coding-DNA position 764, G replaced by T.
Protein change: p.Trp255Leu; replaces tryptophan 255 with leucine.
Molecular consequence: missense variant.
Genome position (GRCh38, 1-based): chr3:165,065,304, C>A on the plus strand (G>T on the coding strand, the complement: SI is on the minus strand). VCF-style: chr3-165065304-C-A. GRCh37 (hg19) VCF-style: chr3-164783092-C-A.
Other names: short protein forms W255L.
Identifiers: ClinVar variation 1490857 (VCV001490857.7), dbSNP rs747468539, ClinGen allele CA2691335.
Genomic context (GRCh38, chr3:165,065,304, plus strand): 5'-GAAAAATAATTTCTTACATCACCAGGAAGTTGGTCTCGAGTAAAAATTGGCCATGTTTTC[C>A]AGGATAAATCATGACGAAATCTCTTATGAACTTGTTCTCCAATACCATAAATATAATCAC-3'
Protein context (NP_001032.2, residues 245-265): VHKRFRHDLS[Trp255Leu]KTWPIFTRDQ